The following is an entry in ClinVar:

NM_001042492.3(NF1):c.60G>A (p.Gln20=)

Genes: NF1 (neurofibromin 1; plus strand), MIR4733HG (MIR4733 host gene; minus strand), LOC111811965 (NF1 (neurofibromin 1) promoter region; plus strand). Cytogenetic location: 17q11.2.
Variant type: single nucleotide variant.
Coding change: c.60G>A on transcript NM_001042492.3 (MANE Select); coding-DNA position 60, G replaced by A.
Protein change: p.Gln20=; no amino-acid change (glutamine 20 retained).
Molecular consequence: synonymous variant. On other transcripts: non-coding transcript variant (1).
Genome position (GRCh38, 1-based): chr17:31,095,369, G>A. VCF-style: chr17-31095369-G-A. GRCh37 (hg19) VCF-style: chr17-29422387-G-A.
Other names: c.60G>A, p.Gln20= (NM_000267.4, NM_001128147.3).
Identifiers: ClinVar variation 1751608 (VCV001751608.2), dbSNP rs1911559787, ClinGen allele CA499197538.

ClinVar aggregate classification (germline): Uncertain significance (1 of 4 stars; one submission).

Conditions:
Cardiovascular phenotype. Identifiers: MedGen CN230736.
Hereditary cancer-predisposing syndrome. Also called: Hereditary Cancer Syndrome; Hereditary neoplastic syndrome; Neoplastic Syndromes, Hereditary; Tumor predisposition. Identifiers: Orphanet 140162, MedGen C0027672, MeSH D009386, MONDO:0015356.

Submission:

Ambry Genetics
Classification: Uncertain significance for Cardiovascular phenotype; Hereditary cancer-predisposing syndrome. Last evaluated: 2022-09-30. Review status: criteria provided, single submitter. Criteria: Ambry Variant Classification Scheme 2023. Collection method: clinical testing. Allele origin: germline.
Comment: The c.60G>A variant (also known as p.Q20Q), located in coding exon 1 of the NF1 gene, results from a G to A substitution at nucleotide position 60. This nucleotide substitution does not change the at codon 20. However, this change occurs in the last base pair of coding exon 1, which makes it likely to have some effect on normal mRNA splicing. This nucleotide position is highly conserved in available vertebrate species. In silico splice site analysis for this alteration is inconclusive and direct evidence is insufficient at this time (Ambry internal data). Since supporting evidence is limited at this time, the clinical significance of this alteration remains unclear.